The following is an entry in ClinVar:

NM_005006.7(NDUFS1):c.1522G>A (p.Gly508Ser)

Gene: NDUFS1 (NADH:ubiquinone oxidoreductase core subunit S1; minus strand). Cytogenetic location: 2q33.3.
Variant type: single nucleotide variant.
Coding change: c.1522G>A on transcript NM_005006.7 (MANE Select); coding-DNA position 1522, G replaced by A.
Protein change: p.Gly508Ser; replaces glycine 508 with serine.
Molecular consequence: missense variant.
Genome position (GRCh38, 1-based): chr2:206,132,976, C>T on the plus strand (G>A on the coding strand, the complement: NDUFS1 is on the minus strand). VCF-style: chr2-206132976-C-T. GRCh37 (hg19) VCF-style: chr2-206997700-C-T.
Other names: c.1414G>A, p.Gly472Ser (NM_001199981.2); c.1189G>A, p.Gly397Ser (NM_001199982.2); c.1351G>A, p.Gly451Ser (NM_001199983.2); c.1564G>A, p.Gly522Ser (NM_001199984.2); c.1522G>A (NM_005006.5); short protein forms G472S, G451S, G508S, G397S, G522S.
Identifiers: ClinVar variation 2045627 (VCV002045627.5), dbSNP rs1182377526, ClinGen allele CA350047723.
Genomic context (GRCh38, chr2:206,132,976, plus strand): 5'-ATAGTATATAAAGCAATTACTCAACAAACCTATGAAGGATATTCATAACTTTCCAATCAC[C>T]AGTAACACCACTAGTCATCCGAATCTTTTGTGCAATGCTAGAAACAGCTGCAAGAATTGC-3'
Protein context (NP_004997.4, residues 498-518): QKIRMTSGVT[Gly508Ser]DWKVMNILHR

ClinVar aggregate classification (germline): Uncertain significance. Review status: criteria provided, multiple submitters, no conflicts (2 of 4 stars). 2 submissions from 2 submitters: Uncertain significance (2). Last evaluated 2023-10-26.

Allele frequency attached by ClinVar (database versions not stated): TOPMed 0.00003.

Submissions (2):

GeneDx
Classification: Uncertain significance. Last evaluated: 2023-10-26. Review status: criteria provided, single submitter. Criteria: GeneDx Variant Classification Process June 2021. Collection method: clinical testing. Allele origin: germline. Affected: yes.
Comment: Not observed at significant frequency in large population cohorts (gnomAD); In silico analysis supports that this missense variant does not alter protein structure/function; Has not been previously published as pathogenic or benign to our knowledge

Labcorp Genetics (formerly Invitae), Labcorp
Classification: Uncertain significance. Last evaluated: 2022-04-21. Review status: criteria provided, single submitter. Criteria: Invitae Variant Classification Sherloc (09022015). Collection method: clinical testing. Allele origin: germline.
Comment: In summary, the available evidence is currently insufficient to determine the role of this variant in disease. Therefore, it has been classified as a Variant of Uncertain Significance. Algorithms developed to predict the effect of missense changes on protein structure and function output the following: SIFT: "Tolerated"; PolyPhen-2: "Benign"; Align-GVGD: "Class C0". The serine amino acid residue is found in multiple mammalian species, which suggests that this missense change does not adversely affect protein function. This variant has not been reported in the literature in individuals affected with NDUFS1-related conditions. This variant is not present in population databases (gnomAD no frequency). This sequence change replaces glycine, which is neutral and non-polar, with serine, which is neutral and polar, at codon 508 of the NDUFS1 protein (p.Gly508Ser).